The following is an entry in ClinVar:

ClinVar aggregate classification (germline): Likely benign (1 of 4 stars; one submission).

Allele frequency attached by ClinVar (database versions not stated): ExAC 0.00612.

Submission:

CeGaT Center for Human Genetics Tuebingen
Classification: Likely benign. Last evaluated: 2026-01-01. Review status: criteria provided, single submitter. Criteria: CeGaT Center For Human Genetics Tuebingen Variant Classification Criteria Version 2. Collection method: clinical testing. Allele origin: germline. Affected: yes. Observed: 6 variant alleles.
Comment: MUC5B: BP4, BP7

NM_002458.3(MUC5B):c.6078G>A (p.Thr2026=)

Genes: MUC5B (mucin 5B, oligomeric mucus/gel-forming; plus strand), MUC5B-AS1 (MUC5B antisense RNA 1; minus strand). Cytogenetic location: 11p15.5.
Variant type: single nucleotide variant.
Coding change: c.6078G>A on transcript NM_002458.3 (MANE Select); coding-DNA position 6078, G replaced by A.
Protein change: p.Thr2026=; no amino-acid change (threonine 2026 retained).
Molecular consequence: synonymous variant.
Genome position (GRCh38, 1-based): chr11:1,242,958, G>A. VCF-style: chr11-1242958-G-A. GRCh37 (hg19) VCF-style: chr11-1264188-G-A.
Identifiers: ClinVar variation 2641212 (VCV002641212.24), dbSNP rs770501604, ClinGen allele CA5805902.